The following is an entry in ClinVar:

NM_000051.4(ATM):c.1463G>T (p.Trp488Leu)

Gene: ATM (ATM serine/threonine kinase; plus strand). Cytogenetic location: 11q22.3.
Variant type: single nucleotide variant.
Coding change: c.1463G>T on transcript NM_000051.4 (MANE Select); coding-DNA position 1463, G replaced by T.
Protein change: p.Trp488Leu; replaces tryptophan 488 with leucine.
Molecular consequence: missense variant.
Genome position (GRCh38, 1-based): chr11:108,250,928, G>T. VCF-style: chr11-108250928-G-T. GRCh37 (hg19) VCF-style: chr11-108121655-G-T.
Other names: c.1463G>T, p.Trp488Leu (NM_001351834.2); short protein forms W488L.
Identifiers: ClinVar variation 1721910 (VCV001721910.5), dbSNP rs879254093, ClinGen allele CA382534150.

ClinVar aggregate classification (germline): Uncertain significance (1 of 4 stars; one submission).

Conditions:
Ataxia-telangiectasia syndrome (AT). Also called: Ataxia-telangiectasia, complementation group D; Ataxia telangiectasia (A-T); ATAXIA-TELANGIECTASIA, COMPLEMENTATION GROUP A; LOUIS-BAR SYNDROME; Cerebello-oculocutaneous telangiectasia; Immunodeficiency with ataxia telangiectasia. Identifiers: Orphanet 100, MedGen C0004135, MONDO:0008840, OMIM 208900.

Submission:

Labcorp Genetics (formerly Invitae), Labcorp
Classification: Uncertain significance for Ataxia-telangiectasia syndrome. Last evaluated: 2024-10-09. Review status: criteria provided, single submitter. Criteria: Invitae Variant Classification Sherloc (09022015). Collection method: clinical testing. Allele origin: germline.
Comment: This sequence change replaces tryptophan, which is neutral and slightly polar, with leucine, which is neutral and non-polar, at codon 488 of the ATM protein (p.Trp488Leu). This variant is not present in population databases (gnomAD no frequency). This variant has not been reported in the literature in individuals affected with ATM-related conditions. ClinVar contains an entry for this variant (Variation ID: 1721910). Invitae Evidence Modeling of protein sequence and biophysical properties (such as structural, functional, and spatial information, amino acid conservation, physicochemical variation, residue mobility, and thermodynamic stability) has been performed for this missense variant. However, the output from this modeling did not meet the statistical confidence thresholds required to predict the impact of this variant on ATM protein function. In summary, the available evidence is currently insufficient to determine the role of this variant in disease. Therefore, it has been classified as a Variant of Uncertain Significance.